The following is an entry in ClinVar:

NM_000038.6(APC):c.935T>G (p.Val312Gly)

Gene: APC (APC regulator of Wnt signaling pathway; plus strand). Cytogenetic location: 5q22.2.
Variant type: single nucleotide variant.
Coding change: c.935T>G on transcript NM_000038.6 (MANE Select); coding-DNA position 935, T replaced by G.
Protein change: p.Val312Gly; replaces valine 312 with glycine.
Molecular consequence: missense variant. On other transcripts: non-coding transcript variant (2), intron variant (15).
Genome position (GRCh38, 1-based): chr5:112,818,967, T>G. VCF-style: chr5-112818967-T-G. GRCh37 (hg19) VCF-style: chr5-112154664-T-G.
Other names: c.935T>G, p.Val312Gly (NM_001127510.3, NM_001354896.2, NM_001354895.2 and 4 more transcripts); c.965T>G, p.Val322Gly (NM_001354897.2, NM_001407446.1); c.860T>G, p.Val287Gly (NM_001354898.2, NM_001407451.1); c.881T>G, p.Val294Gly (NM_001127511.3); c.851T>G, p.Val284Gly (NM_001354899.2, NM_001407452.1); c.758T>G, p.Val253Gly (NM_001354900.2, NM_001354901.2, NM_001407453.1); c.86T>G, p.Val29Gly (NM_001354906.2, NM_001407470.1); c.85-302T>G (NM_001407472.1, NM_001407471.1); and 5 more; short protein forms V294G, V287G, V29G, V312G, V322G, V253G, V284G.
Identifiers: ClinVar variation 3663139 (VCV003663139.2).
Genomic context (GRCh38, chr5:112,818,967, plus strand): 5'-GTTTTTGGCTTTTGGATATTAAAGTCGTAATTTTGTTTCTAAACTCATTTGGCCCACAGG[T>G]GGAAATGGTGTATTCATTGTTGTCAATGCTTGGTACTCATGATAAGGATGATATGTCGCG-3'
Protein context (NP_000029.2, residues 302-322): RRLTSHLGTK[Val312Gly]EMVYSLLSML

ClinVar aggregate classification (germline): Uncertain significance (1 of 4 stars; one submission).

Conditions:
Familial adenomatous polyposis 1 (FAP1). Also called: FAMILIAL ADENOMATOUS POLYPOSIS 1, ATTENUATED; POLYPOSIS, ADENOMATOUS INTESTINAL. Identifiers: MedGen C2713442, MONDO:0021056, OMIM 175100. Disease mechanism: loss of function.

Submission:

Labcorp Genetics (formerly Invitae), Labcorp
Classification: Uncertain significance for Familial adenomatous polyposis 1. Last evaluated: 2025-01-12. Review status: criteria provided, single submitter. Criteria: Invitae Variant Classification Sherloc (09022015). Collection method: clinical testing. Allele origin: germline.
Comment: This sequence change replaces valine, which is neutral and non-polar, with glycine, which is neutral and non-polar, at codon 312 of the APC protein (p.Val312Gly). This variant is not present in population databases (gnomAD no frequency). This variant has not been reported in the literature in individuals affected with APC-related conditions. An algorithm developed to predict the effect of missense changes on protein structure and function (PolyPhen-2) suggests that this variant is likely to be disruptive. Algorithms developed to predict the effect of sequence changes on RNA splicing suggest that this variant may disrupt the consensus splice site. In summary, the available evidence is currently insufficient to determine the role of this variant in disease. Therefore, it has been classified as a Variant of Uncertain Significance.